The following is an entry in ClinVar:

ClinVar aggregate classification (germline): Uncertain significance (1 of 4 stars; one submission).

Allele frequency attached by ClinVar (database versions not stated): TOPMed below 0.00001.

Submission:

GeneDx
Classification: Uncertain significance. Last evaluated: 2019-10-14. Review status: criteria provided, single submitter. Criteria: GeneDx Variant Classification Process June 2021. Collection method: clinical testing. Allele origin: germline. Affected: yes.
Comment: Not observed in large population cohorts (Lek et al., 2016); In silico analysis, which includes protein predictors and evolutionary conservation, supports a deleterious effect; Has not been previously published as pathogenic or benign to our knowledge

NM_080605.4(B3GALT6):c.839A>C (p.Lys280Thr)

Gene: B3GALT6 (beta-1,3-galactosyltransferase 6; plus strand). Cytogenetic location: 1p36.33.
Variant type: single nucleotide variant.
Coding change: c.839A>C on transcript NM_080605.4 (MANE Select); coding-DNA position 839, A replaced by C.
Protein change: p.Lys280Thr; replaces lysine 280 with threonine.
Molecular consequence: missense variant.
Genome position (GRCh38, 1-based): chr1:1,233,117, A>C. VCF-style: chr1-1233117-A-C. GRCh37 (hg19) VCF-style: chr1-1168497-A-C.
Other names: short protein forms K280T.
Identifiers: ClinVar variation 1304640 (VCV001304640.2), dbSNP rs1638569824, ClinGen allele CA337829905.